The following is an entry in ClinVar:

NM_000293.3:c.(76+1_77-1)_(1068+1_1069-1)del

Gene: PHKB (phosphorylase kinase regulatory subunit beta; plus strand).
Variant type: Deletion.
Other names: c.(76+1_77-1)_(1068+1_1069-1)del (NM_000293.3).
Identifiers: ClinVar variation 998114 (VCV000998114.1).

ClinVar aggregate classification (germline): Pathogenic (1 of 4 stars; one submission).

Conditions:
Glycogen storage disease IXb (GSD9B). Also called: GLYCOGENOSIS OF LIVER AND MUSCLE, AUTOSOMAL RECESSIVE; GSD IXb; PHOSPHORYLASE KINASE DEFICIENCY OF LIVER AND MUSCLE, AUTOSOMAL RECESSIVE. Identifiers: Orphanet 79240, MedGen C0543514, MONDO:0009868, OMIM 261750.

Submission:

Centre for Human Genetics
Classification: Pathogenic for Glycogen storage disease IXb. Last evaluated: 2020-08-27. Review status: criteria provided, single submitter. Criteria: ACMG Guidelines, 2015. Collection method: clinical testing. Allele origin: inherited. Inheritance: Autosomal recessive inheritance. Affected: yes. Observed: 1 variant allele.
Comment: disease causing